The following is an entry in ClinVar:

NM_031476.4(CRISPLD2):c.1113-6A>C

Gene: CRISPLD2 (cysteine rich secretory protein LCCL domain containing 2; plus strand). Cytogenetic location: 16q24.1.
Variant type: single nucleotide variant.
Coding change: c.1113-6A>C on transcript NM_031476.4 (MANE Select); 6 bases into the intron before coding-DNA position 1113, A replaced by C.
Molecular consequence: intron variant.
Genome position (GRCh38, 1-based): chr16:84,873,914, A>C. VCF-style: chr16-84873914-A-C. GRCh37 (hg19) VCF-style: chr16-84907520-A-C.
Identifiers: ClinVar variation 4982911 (VCV004982911.1).
Genomic context (GRCh38, chr16:84,873,914, plus strand): 5'-ACTTTTAGAAGCAATTCTATTTGCATTTACCTAATGCCCGTTTTTTTTTTTTTTTTTTTT[A>C]AACAGCAAATACAAACCTTCCAGCTCATTCATGGTGTCAAAAGTGAAAGGTAAGCTAGCC-3'

ClinVar aggregate classification (germline): Likely benign (1 of 4 stars; one submission).

Conditions:
CRISPLD2-related disorder. Also called: CRISPLD2-related condition.

gnomAD v4.1: 5 of 1,441,926 alleles (0.00035%); highest among the groups gnomAD compares: Non-Finnish European, 0.00046%; no homozygotes.

Submission:

PreventionGenetics, part of Exact Sciences
Classification: Likely benign for CRISPLD2-related condition. Last evaluated: 2025-04-16. Review status: criteria provided, single submitter. Criteria: ACMG Guidelines, 2015. Collection method: clinical testing. Allele origin: germline.
Comment: This variant is classified as likely benign based on ACMG/AMP sequence variant interpretation guidelines (Richards et al. 2015 PMID: 25741868, with internal and published modifications).